The following is an entry in ClinVar:

ClinVar aggregate classification (germline): Uncertain significance. Review status: criteria provided, multiple submitters, no conflicts (2 of 4 stars). 2 submissions from 2 submitters: Uncertain significance (2). Last evaluated 2026-05-01.

Allele frequency attached by ClinVar (database versions not stated): gnomAD 0.00003; TOPMed 0.00006.
gnomAD v4.1: 5 of 1,614,124 alleles (0.00031%); highest among the groups gnomAD compares: Admixed American, 0.005%; no homozygotes.

Submissions (2):

CeGaT Center for Human Genetics Tuebingen
Classification: Uncertain significance. Last evaluated: 2026-05-01. Review status: criteria provided, single submitter. Criteria: CeGaT Center For Human Genetics Tuebingen Variant Classification Criteria Version 2. Collection method: clinical testing. Allele origin: germline. Affected: yes. Observed: 1 variant allele.
Comment: DISP1: PM2:Supporting, PP2, BP4

Ambry Genetics
Classification: Uncertain significance. Last evaluated: 2024-01-22. Review status: criteria provided, single submitter. Criteria: Ambry Variant Classification Scheme 2023. Collection method: clinical testing. Allele origin: germline.

NM_001377229.1(DISP1):c.4432A>G (p.Asn1478Asp)

Gene: DISP1 (dispatched RND transporter family member 1; plus strand). Cytogenetic location: 1q41.
Variant type: single nucleotide variant.
Coding change: c.4432A>G on transcript NM_001377229.1 (MANE Select); coding-DNA position 4432, A replaced by G.
Protein change: p.Asn1478Asp; replaces asparagine 1478 with aspartic acid.
Molecular consequence: missense variant.
Genome position (GRCh38, 1-based): chr1:223,005,829, A>G. VCF-style: chr1-223005829-A-G. GRCh37 (hg19) VCF-style: chr1-223179171-A-G.
Other names: c.3703A>G, p.Asn1235Asp (NM_001350630.2); c.4432A>G, p.Asn1478Asp (NM_001369594.1, NM_001377228.1, NM_032890.5); short protein forms N1235D, N1478D.
Identifiers: ClinVar variation 3082591 (VCV003082591.3), dbSNP rs976555303, ClinGen allele CA38410847.